The following is an entry in ClinVar:

NM_024675.4(PALB2):c.1492G>T (p.Asp498Tyr)

Gene: PALB2 (partner and localizer of BRCA2; minus strand). Cytogenetic location: 16p12.2.
Variant type: single nucleotide variant.
Coding change: c.1492G>T on transcript NM_024675.4 (MANE Select); coding-DNA position 1492, G replaced by T.
Protein change: p.Asp498Tyr; replaces aspartic acid 498 with tyrosine.
Molecular consequence: missense variant.
Genome position (GRCh38, 1-based): chr16:23,635,054, C>A on the plus strand (G>T on the coding strand, the complement: PALB2 is on the minus strand). VCF-style: chr16-23635054-C-A. GRCh37 (hg19) VCF-style: chr16-23646375-C-A.
Other names: p.D498Y:GAC>TAC; short protein forms D498Y.
Identifiers: ClinVar variation 182790 (VCV000182790.46), dbSNP rs75023630, ClinGen allele CA185966.
Genomic context (GRCh38, chr16:23,635,054, plus strand): 5'-ATTTTCTTTTTCCTGTGTATCTTCTACCAGGTGCTTGGGCAACTGCCTTCCTAGACAAGT[C>A]ATTATCTTCAGTGGGCCCAGCGGGAGAGCTGACTTTAGTTAATGAGAGAAGTTTCTGAGA-3'
Protein context (NP_078951.2, residues 488-508): SSPAGPTEDN[Asp498Tyr]LSRKAVAQAP

ClinVar aggregate classification (germline): Conflicting classifications of pathogenicity. Review status: criteria provided, conflicting classifications (1 of 4 stars). 15 submissions from 15 submitters: Uncertain significance (2); Benign (6); Likely benign (5). 2 of the submissions do not count toward it. Last evaluated 2026-02-03.

Conditions:
Hereditary cancer-predisposing syndrome. Also called: Tumor predisposition; Neoplastic Syndromes, Hereditary; Hereditary neoplastic syndrome; Hereditary Cancer Syndrome. Identifiers: Orphanet 140162, MedGen C0027672, MeSH D009386, MONDO:0015356.
Hereditary breast ovarian cancer syndrome. Also called: Hereditary breast and ovarian cancer syndrome; Hereditary breast and ovarian cancer syndrome (HBOC); Hereditary breast and ovarian cancer; Breast and ovarian cancer; BRCA1- and BRCA2-Associated Hereditary Breast and Ovarian Cancer; Hereditary breast and/or ovarian cancer syndrome. Identifiers: Orphanet 145, MedGen C0677776, MeSH D061325, MONDO:0003582. Disease mechanism: loss of function.
Familial cancer of breast. Also called: BREAST CANCER, FAMILIAL; hereditary breast carcinoma; Hereditary breast cancer. Identifiers: Orphanet 227535, MedGen C0346153, MONDO:0016419, OMIM 114480. Disease mechanism: loss of function.
Fanconi anemia complementation group N. Also called: PALB2-Related Fanconi Anemia. Identifiers: Orphanet 84, MedGen C1835817, MONDO:0012565, OMIM 610832. Disease mechanism: loss of function.
Malignant tumor of breast. Also called: Malignant breast neoplasm; Cancer breast. Identifiers: MedGen C0006142, MONDO:0007254. Disease mechanism: loss of function.

Allele frequency attached by ClinVar (database versions not stated): gnomAD 0.00020 and 0.00026; gnomAD exomes 0.00048; ExAC 0.00051; TOPMed 0.00051; 1000 Genomes Project 0.00060; 1000 Genomes Project 30x 0.00062.
gnomAD v4.1: 242 of 1,614,104 alleles (0.015%); highest among the groups gnomAD compares: East Asian, 0.41%; 2 homozygotes.

Submissions (15):

Labcorp Genetics (formerly Invitae), Labcorp
Classification: Benign for Familial cancer of breast. Last evaluated: 2026-02-03. Review status: criteria provided, single submitter. Criteria: Invitae Variant Classification Sherloc (09022015). Collection method: clinical testing. Allele origin: germline.

Center for Genomic Medicine, Rigshospitalet, Copenhagen University Hospital
Classification: Benign. Last evaluated: 2025-03-04. Review status: criteria provided, single submitter. Criteria: ACMG Guidelines, 2015. Collection method: clinical testing. Allele origin: germline.

Myriad Genetics, Inc.
Classification: Benign for Familial cancer of breast. Last evaluated: 2025-01-13. Review status: criteria provided, single submitter. Criteria: Myriad Autosomal Dominant, Autosomal Recessive and X-Linked Classification Criteria (2023). Collection method: clinical testing. Allele origin: unknown.
Comment: This variant is considered benign. This variant is strongly associated with less severe personal and family histories of cancer, typical for individuals without pathogenic variants in this gene [PMID: 25085752]. This variant has been observed at a population frequency that is significantly greater than expected given the associated disease prevalence and penetrance.

Blueprint Genetics
Classification: Likely benign. Last evaluated: 2024-09-20. Review status: criteria provided, single submitter. Criteria: ACMG Guidelines, 2015. Collection method: clinical testing. Allele origin: germline.

GeneDx
Classification: Likely benign. Last evaluated: 2021-06-16. Review status: criteria provided, single submitter. Criteria: GeneDx Variant Classification Process June 2021. Collection method: clinical testing. Allele origin: germline. Affected: yes.
Comment: This variant is associated with the following publications: (PMID: 26411315, 28580595, 23977390, 25186627, 26283626, 26692951, 23555315, 27783279, 28796317, 28825143, 30309218, 28767289, 29338689, 31757951)

Sema4
Classification: Benign for Hereditary cancer-predisposing syndrome. Last evaluated: 2021-05-18. Review status: criteria provided, single submitter. Criteria: Sema4 Curation Guidelines. Collection method: curation. Allele origin: germline.

Women's Health and Genetics/Laboratory Corporation of America, LabCorp
Classification: Benign. Last evaluated: 2021-01-09. Review status: criteria provided, single submitter. Criteria: LabCorp Variant Classification Summary - May 2015. Collection method: clinical testing. Allele origin: germline.
Comment: Variant summary: PALB2 c.1492G>T (p.Asp498Tyr) results in a non-conservative amino acid change in the encoded protein sequence. Three of five in-silico tools predict a damaging effect of the variant on protein function. The variant allele was found at a frequency of 0.00048 in 251452 control chromosomes, predominantly at a frequency of 0.0059 within the East Asian subpopulation in the gnomAD database. The observed variant frequency within East Asian control individuals in the gnomAD database is approximately 38 fold of the estimated maximal expected allele frequency for a pathogenic variant in PALB2 causing Hereditary Breast And Ovarian Cancer Syndrome phenotype (0.00016), strongly suggesting that the variant is a benign polymorphism found primarily in populations of East Asian origin. c.1492G>T has been reported in the literature as a non-specific variant in individuals affected with a variety of cancers (example, Nakagomi_2015, Phuah_2013). These report(s) do not provide unequivocal conclusions about association of the variant with Hereditary Breast And Ovarian Cancer Syndrome. At-least one co-occurrence with another pathogenic variant(s) has been observed at our laboratory (APC c.3184_3187delCAAA, p.Gln1062ValfsX63), providing additional supporting evidence for a benign role. To our knowledge, no experimental evidence demonstrating an impact on protein function has been reported. Ten clinical diagnostic laboratories have submitted clinical-significance assessments for this variant to ClinVar after 2014 without evidence for independent evaluation and a majority consensus of likely benign (n=6)/benign (n=1). Based on the evidence outlined above, the variant was classified as benign.

Cancer Genomics Group, Japanese Foundation For Cancer Research
Classification: Uncertain significance for Hereditary breast and ovarian cancer syndrome. Last evaluated: 2019-05-01. Review status: criteria provided, single submitter. Criteria: ACMG Guidelines, 2015. Collection method: research. Allele origin: germline. Affected: yes.

Quest Diagnostics Nichols Institute San Juan Capistrano
Classification: Likely benign. Last evaluated: 2019-03-20. Review status: criteria provided, single submitter. Criteria: Quest Diagnostics criteria. Collection method: clinical testing. Allele origin: germline.

Illumina Laboratory Services, Illumina
Classification: Likely benign for Fanconi anemia complementation group N. Last evaluated: 2018-01-13. Review status: criteria provided, single submitter. Criteria: ICSL Variant Classification Criteria 13 December 2019. Collection method: clinical testing. Allele origin: germline.
Comment: This variant was observed in the ICSL laboratory as part of a predisposition screen in an ostensibly healthy population. It had not been previously curated by ICSL or reported in the Human Gene Mutation Database (HGMD: prior to June 1st, 2018), and was therefore a candidate for classification through an automated scoring system. Utilizing variant allele frequency, disease prevalence and penetrance estimates, and inheritance mode, an automated score was calculated to assess if this variant is too frequent to cause the disease. Based on the score and internal cut-off values, a variant classified as likely benign is not then subjected to further curation. The score for this variant resulted in a classification of likely benign for this disease.

Cancer Genetics Laboratory, Peter MacCallum Cancer Centre
Classification: Uncertain significance for Familial cancer of breast. Last evaluated: 2015-06-01. Review status: criteria provided, single submitter. Criteria: Thompson et al. (Breast Cancer Res. 2015). Collection method: case-control. Allele origin: germline. Affected: no. Observed: 1 variant allele, 1 heterozygote.

Color Diagnostics, LLC DBA Color Health
Classification: Likely benign for Hereditary cancer-predisposing syndrome. Last evaluated: 2015-01-22. Review status: criteria provided, single submitter. Criteria: ACMG Guidelines, 2015. Collection method: clinical testing. Allele origin: germline.

Ambry Genetics
Classification: Benign for Hereditary cancer-predisposing syndrome. Last evaluated: 2014-12-30. Review status: criteria provided, single submitter. Criteria: Ambry Variant Classification Scheme 2023. Collection method: clinical testing. Allele origin: germline.

Leiden Open Variation Database
Classification: Likely benign. Last evaluated: 2019-05-13. Review status: no assertion criteria provided. Collection method: curation. Allele origin: germline. Affected: no. Not counted in ClinVar's aggregate classification.
Comment: Curators: Marc Tischkowitz, Arleen D. Auerbach. Submitters to LOVD: Marc Tischkowitz, Melissa DeRycke, Yukihide Momozawa.

Department of Pathology and Laboratory Medicine, Sinai Health System
Classification: Likely benign for Malignant tumor of breast. Review status: no assertion criteria provided. Collection method: clinical testing. Allele origin: unknown. Affected: yes. Study: The Canadian Open Genetics Repository (COGR). Not counted in ClinVar's aggregate classification.
Comment: The PALB2 p.Asp498Tyr variant was identified in 133 of 21516 proband chromosomes (frequency: 0.006) from individuals or families with breast or ovarian cancer and was present in 397 of 51832 control chromosomes (frequency: 0.008) from healthy individuals (Momozawa 2018, Phuah 2013, Rashid 2018, Tung 2015). The variant was also identified in dbSNP (ID: rs75023630) as "With Uncertain significance, other allele", ClinVar (classified as benign by Invitae and Ambry Genetics; as likely benign by four submitters; as uncertain significance by two submitters), and LOVD 3.0 (6x as benign or likely benign). The variant was identified in control databases in 131 of 277200 chromosomes at a frequency of 0.0005 increasing the likelihood this could be a low frequency benign variant (Genome Aggregation Database Feb 27, 2017). The variant was observed in the following populations: Other in 1 of 6462 chromosomes (freq: 0.0002), East Asian in 118 of 18868 chromosomes (freq: 0.006), and South Asian in 12 of 30782 chromosomes (freq: 0.0004), while the variant was not observed in the African, Latino, European, Ashkenazi Jewish, and Finnish, populations. The p.Asp498 residue is not conserved in mammals and computational analyses (PolyPhen-2, SIFT, AlignGVGD, BLOSUM, MutationTaster) provide inconsistent predictions regarding the impact to the protein; this information is not very predictive of pathogenicity. The variant occurs outside of the splicing consensus sequence and 1 of 4 in silico or computational prediction software programs (SpliceSiteFinder, MaxEntScan, NNSPLICE, GeneSplicer) predict a greater than 10% difference in splicing; this is not very predictive of pathogenicity. In summary, based on the above information the clinical significance of this variant cannot be determined with certainty at this time although we would lean towards a more benign role for this variant. This variant is classified as likely benign.

Literature cited by the submitters: PubMed 25085752 (cited by Myriad Genetics, Inc.); PubMed 23977390 (cited by 4 submitters); PubMed 26411315 (cited by Women's Health and Genetics/Laboratory Corporation of America, LabCorp and Quest Diagnostics Nichols Institute San Juan Capistrano); PubMed 26283626 (cited by Cancer Genomics Group, Japanese Foundation For Cancer Research and Quest Diagnostics Nichols Institute San Juan Capistrano); PubMed 26692951 (cited by Quest Diagnostics Nichols Institute San Juan Capistrano); PubMed 25186627 (cited by Quest Diagnostics Nichols Institute San Juan Capistrano and Leiden Open Variation Database); PubMed 27783279 (cited by Quest Diagnostics Nichols Institute San Juan Capistrano); PubMed 28767289 (cited by Quest Diagnostics Nichols Institute San Juan Capistrano); PubMed 28580595 (cited by Quest Diagnostics Nichols Institute San Juan Capistrano); PubMed 28825143 (cited by Quest Diagnostics Nichols Institute San Juan Capistrano); PubMed 30287823 (cited by Leiden Open Variation Database).